The following is an entry in ClinVar:

NM_018941.4(CLN8):c.539T>A (p.Leu180Ter)

Gene: CLN8 (CLN8 transmembrane ER and ERGIC protein; plus strand). Cytogenetic location: 8p23.3.
Variant type: single nucleotide variant.
Coding change: c.539T>A on transcript NM_018941.4 (MANE Select); coding-DNA position 539, T replaced by A.
Protein change: p.Leu180Ter; replaces leucine 180 with a stop codon.
Molecular consequence: nonsense.
Genome position (GRCh38, 1-based): chr8:1,771,593, T>A. VCF-style: chr8-1771593-T-A. GRCh37 (hg19) VCF-style: chr8-1719759-T-A.
Other names: short protein forms L180*.
Identifiers: ClinVar variation 1454579 (VCV001454579.8), dbSNP rs1801309834, ClinGen allele CA369953775.

ClinVar aggregate classification (germline): Pathogenic (1 of 4 stars; one submission).

Conditions:
Neuronal ceroid lipofuscinosis. Also called: Neuronal Ceroid Lipofuscinoses. Identifiers: Orphanet 216, Orphanet 79263, MedGen C0027877, MONDO:0016295. Disease mechanism: loss of function.

Allele frequency attached by ClinVar (database versions not stated): gnomAD exomes below 0.00001.

Submission:

Labcorp Genetics (formerly Invitae), Labcorp
Classification: Pathogenic for Neuronal ceroid lipofuscinosis. Last evaluated: 2021-04-08. Review status: criteria provided, single submitter. Criteria: Invitae Variant Classification Sherloc (09022015). Collection method: clinical testing. Allele origin: germline.
Comment: For these reasons, this variant has been classified as Pathogenic. This variant disrupts the C-terminus of the CLN8 protein. Other variant(s) that disrupt this region (p.Val236Serfs*8) have been determined to be pathogenic (Invitae). This suggests that variants that disrupt this region of the protein are likely to be causative of disease. This variant has not been reported in the literature in individuals with CLN8-related conditions. This variant is not present in population databases (ExAC no frequency). This sequence change creates a premature translational stop signal (p.Leu180*) in the CLN8 gene. While this is not anticipated to result in nonsense mediated decay, it is expected to disrupt the last 107 amino acid(s) of the CLN8 protein.